The following is an entry in ClinVar:

NM_133459.4(CCBE1):c.*2825A>G

Gene: CCBE1 (collagen and calcium binding EGF domains 1; minus strand). Cytogenetic location: 18q21.32.
Variant type: single nucleotide variant.
Coding change: c.*2825A>G on transcript NM_133459.4 (MANE Select); 2825 bases downstream of the stop codon, A replaced by G.
Molecular consequence: 3 prime UTR variant.
Genome position (GRCh38, 1-based): chr18:59,433,083, T>C on the plus strand (A>G on the coding strand, the complement: CCBE1 is on the minus strand). VCF-style: chr18-59433083-T-C. GRCh37 (hg19) VCF-style: chr18-57100315-T-C.
Other names: c.*2825A>G (LRG_1209t1).
Identifiers: ClinVar variation 327628 (VCV000327628.6), dbSNP rs116611266, ClinGen allele CA10651257.
Genomic context (GRCh38, chr18:59,433,083, plus strand): 5'-ATATATTCCAGATGGGAATCAACAGCTGTTCAGTTCCTCTCTCTATAAACCCGTGGTTGG[T>C]GTGGCCCTCTGTCATGAATGTTGAATTTTGCAGAGAGAAGGAGGAAGGAAAGATGCTAGA-3'

ClinVar aggregate classification (germline): Benign. Review status: criteria provided, multiple submitters, no conflicts (2 of 4 stars). 2 submissions from 2 submitters: Benign (2). Last evaluated 2018-01-13.

Conditions:
Hennekam lymphangiectasia-lymphedema syndrome 1 (HKLLS1). Also called: LYMPHATIC DYSPLASIA, GENERALIZED. Identifiers: Orphanet 2136, MedGen C4012050, MONDO:0009337, OMIM 235510.

Allele frequency attached by ClinVar (database versions not stated): 1000 Genomes Project 0.05571; gnomAD 0.02587 and 0.02671; TOPMed 0.03163; 1000 Genomes Project 30x 0.05418.

Submissions (2):

Illumina Laboratory Services, Illumina
Classification: Benign for Hennekam lymphangiectasia-lymphedema syndrome 1. Last evaluated: 2018-01-13. Review status: criteria provided, single submitter. Criteria: ICSL Variant Classification Criteria 13 December 2019. Collection method: clinical testing. Allele origin: germline.
Comment: This variant was observed in the ICSL laboratory as part of a predisposition screen in an ostensibly healthy population. It had not been previously curated by ICSL or reported in the Human Gene Mutation Database (HGMD: prior to June 1st, 2018), and was therefore a candidate for classification through an automated scoring system. Utilizing variant allele frequency, disease prevalence and penetrance estimates, and inheritance mode, an automated score was calculated to assess if this variant is too frequent to cause the disease. Based on the score and internal cut-off values, a variant classified as benign is not then subjected to further curation. The score for this variant resulted in a classification of benign for this disease.

Breakthrough Genomics
Classification: Benign. Review status: criteria provided, single submitter. Criteria: ACMG Guidelines, 2015. Collection method: not provided. Allele origin: germline. Inheritance: Autosomal recessive inheritance. Affected: yes.